The following is an entry in ClinVar:

ClinVar aggregate classification (germline): Uncertain significance (1 of 4 stars; one submission).

Conditions:
Deficiency of ferroxidase (ACEP). Also called: Deficiency of ceruloplasmin; NEURODEGENERATION WITH BRAIN IRON ACCUMULATION 10; Aceruloplasminemia; Ceruloplasmin deficiency; Familial apoceruloplasmin deficiency; Hereditary ceruloplasmin deficiency. Identifiers: Orphanet 48818, MedGen C0878682, MONDO:0011426, OMIM 604290, HP:0025498.

Allele frequency attached by ClinVar (database versions not stated): gnomAD exomes below 0.00001 and 0.00001; TOPMed below 0.00001; gnomAD 0.00001.
gnomAD v4.1: 5 of 1,614,034 alleles (0.00031%); highest among the groups gnomAD compares: South Asian, 0.0011%; no homozygotes.

Submission:

Labcorp Genetics (formerly Invitae), Labcorp
Classification: Uncertain significance for Deficiency of ferroxidase. Last evaluated: 2021-11-13. Review status: criteria provided, single submitter. Criteria: Invitae Variant Classification Sherloc (09022015). Collection method: clinical testing. Allele origin: germline.
Comment: This variant is present in population databases (no rsID available, gnomAD 0.0009%). In summary, the available evidence is currently insufficient to determine the role of this variant in disease. Therefore, it has been classified as a Variant of Uncertain Significance. Algorithms developed to predict the effect of missense changes on protein structure and function are either unavailable or do not agree on the potential impact of this missense change (SIFT: "Deleterious"; PolyPhen-2: "Possibly Damaging"; Align-GVGD: "Class C15"). This variant has not been reported in the literature in individuals affected with CP-related conditions. This sequence change replaces glutamic acid, which is acidic and polar, with lysine, which is basic and polar, at codon 476 of the CP protein (p.Glu476Lys).

NM_000096.4(CP):c.1426G>A (p.Glu476Lys)

Gene: CP (ceruloplasmin; minus strand). Cytogenetic location: 3q24.
Variant type: single nucleotide variant.
Coding change: c.1426G>A on transcript NM_000096.4 (MANE Select); coding-DNA position 1426, G replaced by A.
Protein change: p.Glu476Lys; replaces glutamic acid 476 with lysine.
Molecular consequence: missense variant. On other transcripts: non-coding transcript variant (1).
Genome position (GRCh38, 1-based): chr3:149,199,787, C>T on the plus strand (G>A on the coding strand, the complement: CP is on the minus strand). VCF-style: chr3-149199787-C-T. GRCh37 (hg19) VCF-style: chr3-148917574-C-T.
Other names: short protein forms E476K.
Identifiers: ClinVar variation 1381998 (VCV001381998.5), dbSNP rs1197002943, ClinGen allele CA354908857.